The following is an entry in ClinVar:

NM_201384.3(PLEC):c.11327C>T (p.Thr3776Ile)

Gene: PLEC (plectin; minus strand). Cytogenetic location: 8q24.3.
Variant type: single nucleotide variant.
Coding change: c.11327C>T on transcript NM_201384.3 (MANE Select); coding-DNA position 11327, C replaced by T.
Protein change: p.Thr3776Ile; replaces threonine 3776 with isoleucine.
Molecular consequence: missense variant.
Genome position (GRCh38, 1-based): chr8:143,918,494, G>A on the plus strand (C>T on the coding strand, the complement: PLEC is on the minus strand). VCF-style: chr8-143918494-G-A. GRCh37 (hg19) VCF-style: chr8-144992662-G-A.
Other names: c.11408C>T (NM_000445.3); c.11408C>T, p.Thr3803Ile (NM_000445.5); c.11285C>T, p.Thr3762Ile (NM_201378.4); c.11261C>T, p.Thr3754Ile (NM_201379.3); c.11738C>T, p.Thr3913Ile (NM_201380.4); c.11231C>T, p.Thr3744Ile (NM_201381.3); c.11327C>T, p.Thr3776Ile (NM_201382.4); c.11339C>T, p.Thr3780Ile (NM_201383.3); short protein forms T3744I, T3762I, T3776I, T3780I, T3754I, T3803I, T3913I.
Identifiers: ClinVar variation 854781 (VCV000854781.10), dbSNP rs369998247, ClinGen allele CA4924378.

ClinVar aggregate classification (germline): Uncertain significance. Review status: criteria provided, multiple submitters, no conflicts (2 of 4 stars). 3 submissions from 3 submitters: Uncertain significance (3). Last evaluated 2026-04-14.

Conditions:
PLEC-related disorder. Also called: PLEC-related condition; PLEC-related disorders.
Autosomal recessive limb-girdle muscular dystrophy type 2Q (LGMDR17). Also called: MUSCULAR DYSTROPHY, LIMB-GIRDLE, AUTOSOMAL RECESSIVE 17. Identifiers: Orphanet 254361, MedGen C3150989, MONDO:0013390, OMIM 613723.
Epidermolysis bullosa simplex, Ogna type (EBS5A). Also called: Pidermolysis bullosa simplex 5A, Ogna type; EPIDERMOLYSIS BULLOSA SIMPLEX 5A, OGNA TYPE. Identifiers: Orphanet 79401, MedGen C0432317, MONDO:0007555, OMIM 131950.
Epidermolysis bullosa simplex with nail dystrophy (EBS5D). Identifiers: MedGen C4225309, MONDO:0014661, OMIM 616487.
Epidermolysis bullosa simplex 5C, with pyloric atresia (EBS5C). Also called: PLEC-Related Epidermolysis Bullosa with Pyloric Atresia; Epidermolysis bullosa simplex with pyloric atresia; PLEC1-Related Epidermolysis Bullosa with Pyloric Atresia. Identifiers: Orphanet 158684, MedGen C2677349, MONDO:0012807, OMIM 612138.
Epidermolysis bullosa simplex 5B, with muscular dystrophy (EBS5B). Also called: EPIDERMOLYSIS BULLOSA SIMPLEX AND LIMB-GIRDLE MUSCULAR DYSTROPHY; Epidermolysis bullosa simplex with muscular dystrophy. Identifiers: Orphanet 257, MedGen C2931072, MONDO:0009181, OMIM 226670.
Inborn genetic diseases. Identifiers: MedGen C0950123, MeSH D030342.

Allele frequency attached by ClinVar (database versions not stated): gnomAD exomes 0.00002; TOPMed 0.00003; ExAC 0.00004; gnomAD 0.00006; ESP Exome Variant Server 0.00008.
gnomAD v4.1: 44 of 1,602,472 alleles (0.0027%); highest among the groups gnomAD compares: Non-Finnish European, 0.0033%; no homozygotes.

Submissions (3):

PreventionGenetics, part of Exact Sciences
Classification: Uncertain significance for PLEC-related condition. Last evaluated: 2026-04-14. Review status: criteria provided, single submitter. Criteria: ACMG Guidelines, 2015. Collection method: clinical testing. Allele origin: germline.
Comment: The PLEC c.11408C>T variant is predicted to result in the amino acid substitution p.Thr3803Ile. To our knowledge, this variant has not been reported in the literature. This variant is reported in 0.0047% of alleles in individuals of European (Finnish) descent in gnomAD. At this time, the clinical significance of this variant is uncertain due to the absence of conclusive functional and genetic evidence.

Labcorp Genetics (formerly Invitae), Labcorp
Classification: Uncertain significance for Autosomal recessive limb-girdle muscular dystrophy type 2Q; Epidermolysis bullosa simplex, Ogna type; Epidermolysis bullosa simplex with nail dystrophy; Epidermolysis bullosa simplex 5C, with pyloric atresia; Epidermolysis bullosa simplex 5B, with muscular dystrophy. Last evaluated: 2025-09-09. Review status: criteria provided, single submitter. Criteria: Invitae Variant Classification Sherloc (09022015). Collection method: clinical testing. Allele origin: germline.
Comment: This sequence change replaces threonine, which is neutral and polar, with isoleucine, which is neutral and non-polar, at codon 3803 of the PLEC protein (p.Thr3803Ile). This variant is present in population databases (rs369998247, gnomAD 0.006%). This variant has not been reported in the literature in individuals affected with PLEC-related conditions. ClinVar contains an entry for this variant (Variation ID: 854781). An algorithm developed to predict the effect of missense changes on protein structure and function (PolyPhen-2) suggests that this variant is likely to be disruptive. In summary, the available evidence is currently insufficient to determine the role of this variant in disease. Therefore, it has been classified as a Variant of Uncertain Significance.

Ambry Genetics
Classification: Uncertain significance for Inborn genetic diseases. Last evaluated: 2025-05-01. Review status: criteria provided, single submitter. Criteria: Ambry Variant Classification Scheme 2023. Collection method: clinical testing. Allele origin: germline.